The following is an entry in ClinVar:

NM_000255.4(MMUT):c.850G>T (p.Gly284Ter)

Gene: MMUT (methylmalonyl-CoA mutase; minus strand). Cytogenetic location: 6p12.3.
Variant type: single nucleotide variant.
Coding change: c.850G>T on transcript NM_000255.4 (MANE Select); coding-DNA position 850, G replaced by T.
Protein change: p.Gly284Ter; replaces glycine 284 with a stop codon.
Molecular consequence: nonsense.
Genome position (GRCh38, 1-based): chr6:49,456,141, C>A on the plus strand (G>T on the coding strand, the complement: MMUT is on the minus strand). VCF-style: chr6-49456141-C-A. GRCh37 (hg19) VCF-style: chr6-49423854-C-A.
Other names: short protein forms G284*.
Identifiers: ClinVar variation 553762 (VCV000553762.18), dbSNP rs761477436, ClinGen allele CA3847025.

ClinVar aggregate classification (germline): Pathogenic. Review status: criteria provided, multiple submitters, no conflicts (2 of 4 stars). 8 submissions from 8 submitters: Pathogenic (7). 1 of the submissions does not count toward it. Last evaluated 2025-03-06.

Conditions:
Methylmalonic aciduria due to complete methylmalonyl-CoA mutase deficiency.
Methylmalonic acidemia (MMA). Also called: Isolated Methylmalonic Acidemia. Identifiers: MedGen C0268583, MeSH C537358, MONDO:0002012, HP:0002912.
Methylmalonic aciduria due to methylmalonyl-CoA mutase deficiency (MAMM). Also called: Methylmalonic aciduria, mut type. Identifiers: Orphanet 27, MedGen C1855114, MONDO:0009612, OMIM 251000.

Allele frequency attached by ClinVar (database versions not stated): gnomAD exomes below 0.00001 and 0.00002; ExAC 0.00002; gnomAD 0.00003 and 0.00004; TOPMed 0.00003.
gnomAD v4.1: 8 of 1,612,994 alleles (0.0005%); highest among the groups gnomAD compares: African/African-American, 0.011%; no homozygotes.

Submissions (8):

Natera, Inc.
Classification: Pathogenic for Methylmalonic aciduria due to complete methylmalonyl-CoA mutase deficiency. Last evaluated: 2025-03-06. Review status: criteria provided, single submitter. Criteria: Natera Variant Classification Schema (03/2026). Collection method: clinical testing. Allele origin: germline.
Comment: The c.850G>T variant in MMUT is a nonsense variant predicted to introduce a stop codon at amino acid 284. This variant is expected to result in nonsense mediated decay, truncation, or a dysfunctional protein product. This variant is rare in the general population with a frequency below the threshold expected for the associated phenotype(s). This variant has been observed in one or more individuals affected with the associated recessive disease, as either homozygous or compound heterozygous with a second variant (PMID: 16281286). Given the available evidence, this variant is classified as Pathogenic.

Labcorp Genetics (formerly Invitae), Labcorp
Classification: Pathogenic. Last evaluated: 2023-07-17. Review status: criteria provided, single submitter. Criteria: Invitae Variant Classification Sherloc (09022015). Collection method: clinical testing. Allele origin: germline.
Comment: For these reasons, this variant has been classified as Pathogenic. ClinVar contains an entry for this variant (Variation ID: 553762). This premature translational stop signal has been observed in individual(s) with methylmalonic acidemia due to methylmalonyl-CoA mutase deficiency (PMID: 16281286). This variant is present in population databases (rs761477436, gnomAD 0.03%). This sequence change creates a premature translational stop signal (p.Gly284*) in the MUT gene. It is expected to result in an absent or disrupted protein product. Loss-of-function variants in MUT are known to be pathogenic (PMID: 15781192).

Illumina Laboratory Services, Illumina
Classification: Pathogenic for Methylmalonic aciduria due to methylmalonyl-CoA mutase deficiency. Last evaluated: 2023-05-15. Review status: criteria provided, single submitter. Criteria: ICSLVariantClassificationCriteria RUGD 01 April 2020. Collection method: clinical testing. Allele origin: unknown.
Comment: The MMUT c.850G>T (p.Gly284Ter) nonsense variant results in the loss of normal protein function through either protein truncation or nonsense-mediated mRNA decay. This variant was identified in trans with likely pathogenic and pathogenic variants in individuals with a phenotype consistent with methylmalonic aciduria (PMID: 16281286; 36007526). The p.Gly284Ter variant is not observed at a significant frequency in version 2.1.1 or version 3.1.2 of the Genome Aggregation Database and has been classified as pathogenic by at least three submitters in ClinVar. This variant was identified in trans with a likely pathogenic variant. Based on the available evidence, the c.850A>G (p.Gly284Ter) variant is classified as pathogenic for methylmalonic aciduria due to methylmalonyl-CoA mutase deficiency.

Fulgent Genetics
Classification: Pathogenic for Methylmalonic aciduria due to methylmalonyl-CoA mutase deficiency. Last evaluated: 2022-05-10. Review status: criteria provided, single submitter. Criteria: ACMG Guidelines, 2015. Collection method: clinical testing. Allele origin: unknown.

Revvity Omics, Revvity
Classification: Pathogenic for Methylmalonic aciduria due to methylmalonyl-CoA mutase deficiency. Last evaluated: 2022-02-28. Review status: criteria provided, single submitter. Criteria: ACMG Guidelines, 2015. Collection method: clinical testing. Allele origin: germline.

Rady Children's Institute for Genomic Medicine, Rady Children's Hospital San Diego
Classification: Pathogenic for METHYLMALONIC ACIDURIA DUE TO METHYLMALONYL-CoA MUTASE DEFICIENCY. Last evaluated: 2018-11-15. Review status: criteria provided, single submitter. Criteria: ACMG Guidelines, 2015. Collection method: clinical testing. Allele origin: germline. Affected: yes. Observed: 1 variant allele.
Comment: This nonsense variant found in exon 4 of 13 is predicted to result in loss of normal protein function. This variant has been previously reported as compound heterozygous change in patients with methylmalonic acidemia (PMID: 16281286). It is present in the heterozygous state in the gnomAD population database at a frequency of 0.0016% (4/251340) and thus is presumed to be rare. Based on the available evidence, the c.850G>T (p.Gly284Ter) variant is classified as pathogenic.

Women's Health and Genetics/Laboratory Corporation of America, LabCorp
Classification: Pathogenic for Methylmalonic acidemia. Last evaluated: 2018-04-27. Review status: criteria provided, single submitter. Criteria: LabCorp Variant Classification Summary - May 2015. Collection method: clinical testing. Allele origin: germline.
Comment: Variant summary: MUT c.850G>T (p.Gly284X) results in a premature termination codon, predicted to cause a truncation of the encoded protein or absence of the protein due to nonsense mediated decay, which are commonly known mechanisms for disease. Truncations downstream of this position have been classified as pathogenic by our laboratory (e.g. c.1025C>A (p.Ser342X) and c.1399C>T (p.Arg467X)). The variant was observed with an allele frequency of 1.6e-05 in 246108 control chromosomes (gnomAD). This frequency is not higher than expected for a pathogenic variant in MUT causing Methylmalonic Acidemia (1.6e-05 vs. 0.0024), allowing no conclusion about variant significance. The variant, c.850G>T, has been reported in the literature in individuals affected with Methylmalonic Acidemia (Worgan 2006). These data indicate that the variant may be associated with disease. This publication also reported experimental evidence evaluating an impact on protein function, with the most pronounced variant effect resulting in <10% of normal activity. No clinical diagnostic laboratories have submitted clinical-significance assessments for this variant to ClinVar after 2014. Based on the evidence outlined above, the variant was classified as pathogenic.

Counsyl
Classification: Pathogenic for Methylmalonic aciduria due to methylmalonyl-CoA mutase deficiency. Last evaluated: 2017-09-06. Review status: no assertion criteria provided. Collection method: clinical testing. Allele origin: unknown. Not counted in ClinVar's aggregate classification.

Literature cited by the submitters: PubMed 16281286 (cited by 5 submitters); PubMed 15781192 (cited by Labcorp Genetics (formerly Invitae), Labcorp); PubMed 36007526 (cited by Illumina Laboratory Services, Illumina).